The following is an entry in ClinVar:

ClinVar aggregate classification (germline): Uncertain significance. Review status: criteria provided, multiple submitters, no conflicts (2 of 4 stars). 3 submissions from 3 submitters: Uncertain significance (2). 1 of the submissions does not count toward it. Last evaluated 2022-10-24.

Conditions:
Renal tubular dysgenesis of genetic origin. Also called: PRIMITIVE RENAL TUBULE SYNDROME. Identifiers: Orphanet 97369, MedGen C5681536, MONDO:0009970, OMIM 267430.
Hemorrhage, intracerebral, susceptibility to (ICH). Also called: Stroke, hemorrhagic, susceptibility to. Identifiers: MedGen C3281105, MONDO:0100533, OMIM 614519.
Microvascular complications of diabetes, susceptibility to, 3. Identifiers: MedGen C2675470, MONDO:0012963, OMIM 612624.

Submissions (3):

Labcorp Genetics (formerly Invitae), Labcorp
Classification: Uncertain significance. Last evaluated: 2022-10-24. Review status: criteria provided, single submitter. Criteria: Invitae Variant Classification Sherloc (09022015). Collection method: clinical testing. Allele origin: germline.
Comment: This sequence change replaces proline, which is neutral and non-polar, with valine, which is neutral and non-polar, at codon 1180 of the ACE protein (p.Pro1180Val). This variant is present in population databases (no rsID available, gnomAD 0.2%). This variant has not been reported in the literature in individuals affected with ACE-related conditions. ClinVar contains an entry for this variant (Variation ID: 591822). Algorithms developed to predict the effect of missense changes on protein structure and function are either unavailable or do not agree on the potential impact of this missense change (SIFT: "Not Available"; PolyPhen-2: "Probably Damaging"; Align-GVGD: "Not Available"). In summary, the available evidence is currently insufficient to determine the role of this variant in disease. Therefore, it has been classified as a Variant of Uncertain Significance.

Fulgent Genetics
Classification: Uncertain significance for Renal tubular dysgenesis of genetic origin; Microvascular complications of diabetes, susceptibility to, 3; Hemorrhage, intracerebral, susceptibility to. Last evaluated: 2022-02-08. Review status: criteria provided, single submitter. Criteria: ACMG Guidelines, 2015. Collection method: clinical testing. Allele origin: unknown.

Gharavi Laboratory, Columbia University
Classification: Uncertain significance. Last evaluated: 2018-09-16. Review status: no assertion criteria provided. Criteria: ACMG Guidelines, 2015. Collection method: research. Allele origin: germline. Affected: yes. Not counted in ClinVar's aggregate classification.

NM_000789.4(ACE):c.3538_3539delinsGT (p.Pro1180Val)

Gene: ACE (angiotensin I converting enzyme; plus strand). Cytogenetic location: 17q23.3.
Variant type: Indel.
Coding change: c.3538_3539delinsGT on transcript NM_000789.4 (MANE Select); coding-DNA positions 3538 to 3539, CC replaced by GT.
Protein change: p.Pro1180Val; replaces proline 1180 with valine.
Molecular consequence: missense variant.
Genome position (GRCh38, 1-based): chr17:63,496,832-63,496,833, CC replaced by GT. VCF-style: chr17-63496832-CC-GT. GRCh37 (hg19) VCF-style: chr17-61574193-CC-GT.
Other names: c.1693_1694delinsGT, p.Pro565Val (NM_001178057.2); c.1816_1817delinsGT, p.Pro606Val (NM_152830.3); short protein forms P565V, P1180V, P606V.
Identifiers: ClinVar variation 591822 (VCV000591822.7), dbSNP rs1568048955, ClinGen allele CA891863092.